The following is an entry in ClinVar:

ClinVar aggregate classification (germline): Uncertain significance. Review status: criteria provided, multiple submitters, no conflicts (2 of 4 stars). 2 submissions from 2 submitters: Uncertain significance (2). Last evaluated 2022-07-22.

Conditions:
Cornelia de Lange syndrome 4 (CDLS4). Also called: CORNELIA DE LANGE SYNDROME 4 WITH OR WITHOUT MIDLINE BRAIN DEFECTS; RAD21-Related Cornelia de Lange Syndrome. Identifiers: Orphanet 199, MedGen C3553517, MONDO:0013864, OMIM 614701.

Allele frequency attached by ClinVar (database versions not stated): gnomAD exomes below 0.00001.
gnomAD v4.1: 1 of 1,604,912 alleles (0.000062%); highest among the groups gnomAD compares: Non-Finnish European, 0.000085%; no homozygotes.

Submissions (2):

Revvity Omics, Revvity
Classification: Uncertain significance. Last evaluated: 2022-07-22. Review status: criteria provided, single submitter. Criteria: ACMG Guidelines, 2015. Collection method: clinical testing. Allele origin: germline.

Labcorp Genetics (formerly Invitae), Labcorp
Classification: Uncertain significance for Cornelia de Lange syndrome 4. Last evaluated: 2021-12-24. Review status: criteria provided, single submitter. Criteria: Invitae Variant Classification Sherloc (09022015). Collection method: clinical testing. Allele origin: germline.
Comment: This variant is not present in population databases (gnomAD no frequency). This variant has not been reported in the literature in individuals affected with RAD21-related conditions. Algorithms developed to predict the effect of missense changes on protein structure and function (SIFT, PolyPhen-2, Align-GVGD) all suggest that this variant is likely to be tolerated. In summary, the available evidence is currently insufficient to determine the role of this variant in disease. Therefore, it has been classified as a Variant of Uncertain Significance. This sequence change replaces glycine, which is neutral and non-polar, with serine, which is neutral and polar, at codon 226 of the RAD21 protein (p.Gly226Ser).

NM_006265.3(RAD21):c.676G>A (p.Gly226Ser)

Gene: RAD21 (RAD21 cohesin complex component; minus strand). Cytogenetic location: 8q24.11.
Variant type: single nucleotide variant.
Coding change: c.676G>A on transcript NM_006265.3 (MANE Select); coding-DNA position 676, G replaced by A.
Protein change: p.Gly226Ser; replaces glycine 226 with serine.
Molecular consequence: missense variant.
Genome position (GRCh38, 1-based): chr8:116,857,279, C>T on the plus strand (G>A on the coding strand, the complement: RAD21 is on the minus strand). VCF-style: chr8-116857279-C-T. GRCh37 (hg19) VCF-style: chr8-117869518-C-T.
Other names: short protein forms G226S.
Identifiers: ClinVar variation 2185975 (VCV002185975.7), dbSNP rs2537297697, ClinGen allele CA372005876.